The following is an entry in ClinVar:

NM_001385562.1(ARPP21):c.320G>A (p.Arg107Lys)

Gene: ARPP21 (cAMP regulated phosphoprotein 21; plus strand). Cytogenetic location: 3p22.3.
Variant type: single nucleotide variant.
Coding change: c.320G>A on transcript NM_001385562.1 (MANE Select); coding-DNA position 320, G replaced by A.
Protein change: p.Arg107Lys; replaces arginine 107 with lysine.
Molecular consequence: missense variant. On other transcripts: non-coding transcript variant (10).
Genome position (GRCh38, 1-based): chr3:35,687,797, G>A. VCF-style: chr3-35687797-G-A. GRCh37 (hg19) VCF-style: chr3-35729289-G-A.
Other names: c.320G>A, p.Arg107Lys (NM_001267617.2, NM_001267619.2, NM_001385484.1 and 39 more transcripts); c.302G>A, p.Arg101Lys (NM_001385496.1); c.-376G>A (NM_001385555.1); c.-564G>A (NM_001385561.1, NM_001385575.1); short protein forms R101K, R107K.
Identifiers: ClinVar variation 2653651 (VCV002653651.24), dbSNP rs2547306931, ClinGen allele CA352029374.

ClinVar aggregate classification (germline): Uncertain significance (1 of 4 stars; one submission).

Submission:

CeGaT Center for Human Genetics Tuebingen
Classification: Uncertain significance. Last evaluated: 2023-06-01. Review status: criteria provided, single submitter. Criteria: CeGaT Center For Human Genetics Tuebingen Variant Classification Criteria Version 2. Collection method: clinical testing. Allele origin: germline. Affected: yes. Observed: 1 variant allele.
Comment: ARPP21: PM2, BP4